The following is an entry in ClinVar:

ClinVar aggregate classification (germline): Uncertain significance. Review status: criteria provided, multiple submitters, no conflicts (2 of 4 stars). 2 submissions from 2 submitters: Uncertain significance (2). Last evaluated 2025-02-07.

Conditions:
Hereditary cancer-predisposing syndrome. Also called: Hereditary Cancer Syndrome; Neoplastic Syndromes, Hereditary; Tumor predisposition; Hereditary neoplastic syndrome. Identifiers: Orphanet 140162, MedGen C0027672, MeSH D009386, MONDO:0015356.

Submissions (2):

Ambry Genetics
Classification: Uncertain significance for Hereditary cancer-predisposing syndrome. Last evaluated: 2025-02-07. Review status: criteria provided, single submitter. Criteria: Ambry Variant Classification Scheme 2023. Collection method: clinical testing. Allele origin: germline.
Comment: The p.P92H variant (also known as c.275C>A), located in coding exon 1 of the CHEK2 gene, results from a C to A substitution at nucleotide position 275. The proline at codon 92 is replaced by histidine, an amino acid with similar properties. This amino acid position is well conserved in available vertebrate species. In addition, the in silico prediction for this alteration is inconclusive. Based on the available evidence, the clinical significance of this variant remains unclear.

GeneDx
Classification: Uncertain significance. Last evaluated: 2023-11-06. Review status: criteria provided, single submitter. Criteria: GeneDx Variant Classification Process June 2021. Collection method: clinical testing. Allele origin: germline. Affected: yes.
Comment: Not observed at significant frequency in large population cohorts (gnomAD); In silico analysis supports that this missense variant has a deleterious effect on protein structure/function; Has not been previously published as pathogenic or benign to our knowledge; This variant is associated with the following publications: (PMID: 22419737, 19782031)

NM_007194.4(CHEK2):c.275C>A (p.Pro92His)

Gene: CHEK2 (checkpoint kinase 2; minus strand). Cytogenetic location: 22q12.1.
Variant type: single nucleotide variant.
Coding change: c.275C>A on transcript NM_007194.4 (MANE Select); coding-DNA position 275, C replaced by A.
Protein change: p.Pro92His; replaces proline 92 with histidine.
Molecular consequence: missense variant.
Genome position (GRCh38, 1-based): chr22:28,734,447, G>T on the plus strand (C>A on the coding strand, the complement: CHEK2 is on the minus strand). VCF-style: chr22-28734447-G-T. GRCh37 (hg19) VCF-style: chr22-29130435-G-T.
Other names: c.275C>A, p.Pro92His (NM_001005735.3, NM_145862.3, NM_001349956.3); c.-503C>A (NM_001257387.3); short protein forms P92H.
Identifiers: ClinVar variation 479592 (VCV000479592.7), dbSNP rs779269031, ClinGen allele CA411090426.